The following is an entry in ClinVar:

NM_004606.5(TAF1):c.1207T>G (p.Phe403Val)

Gene: TAF1 (TATA-box binding protein associated factor 1; plus strand). Cytogenetic location: Xq13.1.
Variant type: single nucleotide variant.
Coding change: c.1207T>G on transcript NM_004606.5 (MANE Select); coding-DNA position 1207, T replaced by G.
Protein change: p.Phe403Val; replaces phenylalanine 403 with valine.
Molecular consequence: missense variant. On other transcripts: non-coding transcript variant (9).
Genome position (GRCh38, 1-based): chrX:71,378,878, T>G. VCF-style: chrX-71378878-T-G. GRCh37 (hg19) VCF-style: chrX-70598728-T-G.
Other names: c.1207T>G, p.Phe403Val (NM_001286074.2); c.1144T>G, p.Phe382Val (NM_138923.4); short protein forms F382V, F403V.
Identifiers: ClinVar variation 985730 (VCV000985730.5), dbSNP rs2033670961, ClinGen allele CA413510191.
Genomic context (GRCh38, chrX:71,378,878, plus strand): 5'-ACACAGGAATTTAGGAAACTTGAGGAAAACAATGGCACTGATCTTCTGGCTGATGAAAAC[T>G]TCCTGATGGTGACACAGCTGCATTGGGAGGATGATATCATCTGGGATGGGGAGGATGTCA-3'
Protein context (NP_004597.3, residues 393-413): NGTDLLADEN[Phe403Val]LMVTQLHWED

ClinVar aggregate classification (germline): Pathogenic/Likely pathogenic. Review status: criteria provided, multiple submitters, no conflicts (2 of 4 stars). 2 submissions from 2 submitters: Pathogenic (1); Likely pathogenic (1). Last evaluated 2025-12-08.

Conditions:
Inborn genetic diseases. Identifiers: MedGen C0950123, MeSH D030342.
Intellectual developmental disorder, X-linked, syndromic 33. Also called: X-linked intellectual disability-global development delay-facial dysmorphism-sacral caudal remnant syndrome; Intellectual disability, X-linked, syndromic 33. Identifiers: Orphanet 480907, MedGen C4225418, MONDO:0010500, OMIM 300966.

Submissions (2):

Ambry Genetics
Classification: Likely pathogenic for Inborn genetic diseases. Last evaluated: 2025-12-08. Review status: criteria provided, single submitter. Criteria: Ambry Variant Classification Scheme 2023. Collection method: clinical testing. Allele origin: germline.
Comment: The c.1267T>G (p.F423V) alteration is located in exon 8 (coding exon 8) of the TAF1 gene. This alteration results from a T to G substitution at nucleotide position 1267, causing the phenylalanine (F) at amino acid position 423 to be replaced by a valine (V). This variant was not reported in population-based cohorts in the Genome Aggregation Database (gnomAD). This variant was determined to be de novo in at least one individual with features consistent with TAF1-related neurodevelopmental disorder (external communication). This amino acid position is highly conserved in available vertebrate species. The in silico prediction for this alteration is inconclusive. Based on the available evidence, this alteration is classified as likely pathogenic.

Mendelics
Classification: Pathogenic for Intellectual developmental disorder, X-linked, syndromic 33. Last evaluated: 2022-05-04. Review status: criteria provided, single submitter. Criteria: Mendelics Assertion Criteria 2019. Collection method: clinical testing. Allele origin: germline.